The following is an entry in ClinVar:

NM_016239.4(MYO15A):c.6084dup (p.Arg2029fs)

Gene: MYO15A (myosin XVA; plus strand). Cytogenetic location: 17p11.2.
Variant type: Duplication.
Coding change: c.6084dup on transcript NM_016239.4 (MANE Select); coding-DNA position 6084, one base duplicated (G; older notation c.6084dupG).
Protein change: p.Arg2029fs; shifts the reading frame from arginine 2029.
Molecular consequence: frameshift variant.
Genome position (GRCh38, 1-based): chr17:18,143,907, G duplicated. VCF-style (leftmost placement, unchanged base first): chr17-18143906-T-TG. GRCh37 (hg19) VCF-style: chr17-18047220-T-TG.
Other names: short protein forms R2029fs.
Identifiers: ClinVar variation 2717415 (VCV002717415.3), dbSNP rs2545266499, ClinGen allele CA2697559468.

ClinVar aggregate classification (germline): Pathogenic (1 of 4 stars; one submission).

Submission:

Labcorp Genetics (formerly Invitae), Labcorp
Classification: Pathogenic. Last evaluated: 2023-06-16. Review status: criteria provided, single submitter. Criteria: Invitae Variant Classification Sherloc (09022015). Collection method: clinical testing. Allele origin: germline.
Comment: For these reasons, this variant has been classified as Pathogenic. This variant has not been reported in the literature in individuals affected with MYO15A-related conditions. This variant is not present in population databases (gnomAD no frequency). This sequence change creates a premature translational stop signal (p.Arg2029Glufs*8) in the MYO15A gene. It is expected to result in an absent or disrupted protein product. Loss-of-function variants in MYO15A are known to be pathogenic (PMID: 17546645).

Literature cited by the submitters: PubMed 17546645.